The following is an entry in ClinVar:

NM_002361.4(MAG):c.711G>C (p.Lys237Asn)

Gene: MAG (myelin associated glycoprotein; plus strand). Cytogenetic location: 19q13.12.
Variant type: single nucleotide variant.
Coding change: c.711G>C on transcript NM_002361.4 (MANE Select); coding-DNA position 711, G replaced by C.
Protein change: p.Lys237Asn; replaces lysine 237 with asparagine.
Molecular consequence: missense variant.
Genome position (GRCh38, 1-based): chr19:35,299,849, G>C. VCF-style: chr19-35299849-G-C. GRCh37 (hg19) VCF-style: chr19-35790752-G-C.
Other names: c.636G>C, p.Lys212Asn (NM_001199216.2); c.711G>C, p.Lys237Asn (NM_080600.3); c.711G>C (NM_002361.3); short protein forms K212N, K237N.
Identifiers: ClinVar variation 3667633 (VCV003667633.3).
Genomic context (GRCh38, chr19:35,299,849, plus strand): 5'-CCAGGCCTCCTTCCCCAACACCACCCTGCAGTTCGAGGGCTACGCCAGCATGGACGTCAA[G>C]TGTGAGCCTGGGTGCGGGCGGGGCGGGGTGGGGCGGGGTGGGGCGGGGTCCGGGGAGGGG-3'
Protein context (NP_002352.1, residues 227-247): QFEGYASMDV[Lys237Asn]YPPVIVEMNS

ClinVar aggregate classification (germline): Uncertain significance. Review status: criteria provided, multiple submitters, no conflicts (2 of 4 stars). 2 submissions from 2 submitters: Uncertain significance (2). Last evaluated 2025-01-08.

Conditions:
Inborn genetic diseases. Identifiers: MedGen C0950123, MeSH D030342.
Hereditary spastic paraplegia 75. Also called: Spastic paraplegia 75, autosomal recessive. Identifiers: Orphanet 459056, MedGen C4225250, MONDO:0014729, OMIM 616680.

gnomAD v4.1: 44 of 1,442,962 alleles (0.003%); highest among the groups gnomAD compares: Non-Finnish European, 0.0037%; no homozygotes.

Submissions (2):

Ambry Genetics
Classification: Uncertain significance for Inborn genetic diseases. Last evaluated: 2025-01-08. Review status: criteria provided, single submitter. Criteria: Ambry Variant Classification Scheme 2023. Collection method: clinical testing. Allele origin: germline.

Labcorp Genetics (formerly Invitae), Labcorp
Classification: Uncertain significance for Hereditary spastic paraplegia 75. Last evaluated: 2024-04-03. Review status: criteria provided, single submitter. Criteria: Invitae Variant Classification Sherloc (09022015). Collection method: clinical testing. Allele origin: germline.
Comment: This sequence change replaces lysine, which is basic and polar, with asparagine, which is neutral and polar, at codon 237 of the MAG protein (p.Lys237Asn). This variant is present in population databases (no rsID available, gnomAD 0.003%). This variant has not been reported in the literature in individuals affected with MAG-related conditions. An algorithm developed to predict the effect of missense changes on protein structure and function (PolyPhen-2) suggests that this variant is likely to be tolerated. In summary, the available evidence is currently insufficient to determine the role of this variant in disease. Therefore, it has been classified as a Variant of Uncertain Significance.